The following is an entry in ClinVar:

ClinVar aggregate classification (germline): Uncertain significance. Review status: criteria provided, multiple submitters, no conflicts (2 of 4 stars). 2 submissions from 2 submitters: Uncertain significance (2). Last evaluated 2025-08-05.

Conditions:
Inborn genetic diseases. Identifiers: MedGen C0950123, MeSH D030342.

gnomAD v4.1: 206 of 1,612,916 alleles (0.013%); highest among the groups gnomAD compares: Non-Finnish European, 0.017%; no homozygotes.

Submissions (2):

GeneDx
Classification: Uncertain significance. Last evaluated: 2025-08-05. Review status: criteria provided, single submitter. Criteria: GeneDx Variant Classification Process June 2021. Collection method: clinical testing. Allele origin: germline.
Comment: In silico analysis suggests that this missense variant does not alter protein structure/function; Has not been previously published as pathogenic or benign to our knowledge

Ambry Genetics
Classification: Uncertain significance for Inborn genetic diseases. Last evaluated: 2025-01-21. Review status: criteria provided, single submitter. Criteria: Ambry Variant Classification Scheme 2023. Collection method: clinical testing. Allele origin: germline.

NM_145886.4(PIDD1):c.133G>A (p.Gly45Arg)

Gene: PIDD1 (p53-induced death domain protein 1; minus strand). Cytogenetic location: 11p15.5.
Variant type: single nucleotide variant.
Coding change: c.133G>A on transcript NM_145886.4 (MANE Select); coding-DNA position 133, G replaced by A.
Protein change: p.Gly45Arg; replaces glycine 45 with arginine.
Molecular consequence: missense variant.
Genome position (GRCh38, 1-based): chr11:804,256, C>T on the plus strand (G>A on the coding strand, the complement: PIDD1 is on the minus strand). VCF-style: chr11-804256-C-T. GRCh37 (hg19) VCF-style: chr11-804256-C-T.
Other names: c.133G>A, p.Gly45Arg (NM_145887.4); short protein forms G45R.
Identifiers: ClinVar variation 3365714 (VCV003365714.3).